The following is an entry in ClinVar:

ClinVar aggregate classification (germline): Uncertain significance. Review status: criteria provided, multiple submitters, no conflicts (2 of 4 stars). 2 submissions from 2 submitters: Uncertain significance (2). Last evaluated 2026-06-08.

Conditions:
Juvenile polyposis syndrome (JPS). Identifiers: Orphanet 2929, MedGen C0345893, MONDO:0017380, OMIM 174900.
Hereditary cancer-predisposing syndrome. Also called: Hereditary Cancer Syndrome; Neoplastic Syndromes, Hereditary; Tumor predisposition; Hereditary neoplastic syndrome. Identifiers: Orphanet 140162, MedGen C0027672, MeSH D009386, MONDO:0015356.

Allele frequency attached by ClinVar (database versions not stated): gnomAD 0.00001.
gnomAD v4.1: 1 of 1,613,656 alleles (0.000062%); highest among the groups gnomAD compares: Admixed American, 0.0017%; no homozygotes.

Submissions (2):

Ambry Genetics
Classification: Uncertain significance for Hereditary cancer-predisposing syndrome. Last evaluated: 2026-06-08. Review status: criteria provided, single submitter. Criteria: Ambry Variant Classification Scheme 2023. Collection method: clinical testing. Allele origin: germline.
Comment: The p.D90N variant (also known as c.268G>A), located in coding exon 3 of the BMPR1A gene, results from a G to A substitution at nucleotide position 268. The aspartic acid at codon 90 is replaced by asparagine, an amino acid with highly similar properties. This amino acid position is not well conserved in available vertebrate species. In addition, this alteration is predicted to be tolerated by in silico analysis. Based on the available evidence, the clinical significance of this variant remains unclear.

Labcorp Genetics (formerly Invitae), Labcorp
Classification: Uncertain significance for Juvenile polyposis syndrome. Last evaluated: 2022-08-20. Review status: criteria provided, single submitter. Criteria: Invitae Variant Classification Sherloc (09022015). Collection method: clinical testing. Allele origin: germline.
Comment: This sequence change replaces aspartic acid, which is acidic and polar, with asparagine, which is neutral and polar, at codon 90 of the BMPR1A protein (p.Asp90Asn). This variant is not present in population databases (gnomAD no frequency). This variant has not been reported in the literature in individuals affected with BMPR1A-related conditions. ClinVar contains an entry for this variant (Variation ID: 963895). Advanced modeling of protein sequence and biophysical properties (such as structural, functional, and spatial information, amino acid conservation, physicochemical variation, residue mobility, and thermodynamic stability) performed at Invitae indicates that this missense variant is not expected to disrupt BMPR1A protein function. In summary, the available evidence is currently insufficient to determine the role of this variant in disease. Therefore, it has been classified as a Variant of Uncertain Significance.

NM_004329.3(BMPR1A):c.268G>A (p.Asp90Asn)

Gene: BMPR1A (bone morphogenetic protein receptor type 1A; plus strand). Cytogenetic location: 10q23.2.
Variant type: single nucleotide variant.
Coding change: c.268G>A on transcript NM_004329.3 (MANE Select); coding-DNA position 268, G replaced by A.
Protein change: p.Asp90Asn; replaces aspartic acid 90 with asparagine.
Molecular consequence: missense variant.
Genome position (GRCh38, 1-based): chr10:86,892,164, G>A. VCF-style: chr10-86892164-G-A. GRCh37 (hg19) VCF-style: chr10-88651921-G-A.
Other names: short protein forms D90N.
Identifiers: ClinVar variation 963895 (VCV000963895.11), dbSNP rs1843160640, ClinGen allele CA377448068.
Genomic context (GRCh38, chr10:86,892,164, plus strand): 5'-TGTTTTGTTTTTTTCTGTTTTAGAACTAATGGACATTGCTTTGCCATCATAGAAGAAGAT[G>A]ACCAGGGAGAAACCACATTAGCTTCAGGGTGTATGAAATATGAAGGATCTGATTTTCAGT-3'
Protein context (NP_004320.2, residues 80-100): GHCFAIIEED[Asp90Asn]QGETTLASGC